The following is an entry in ClinVar:

ClinVar aggregate classification (germline): Pathogenic. Review status: criteria provided, multiple submitters, no conflicts (2 of 4 stars). 3 submissions from 3 submitters: Pathogenic (2). 1 of the submissions does not count toward it. Last evaluated 2023-09-30.

Conditions:
Severe X-linked myotubular myopathy (CNMX). Also called: MYOTUBULAR MYOPATHY 1; X-linked centronuclear myopathy; Myotubular myopathy, X-linked. Identifiers: Orphanet 596, MedGen C0410203, MONDO:0010683, OMIM 310400.

Submissions (3):

Labcorp Genetics (formerly Invitae), Labcorp
Classification: Pathogenic for Severe X-linked myotubular myopathy. Last evaluated: 2023-09-30. Review status: criteria provided, single submitter. Criteria: Invitae Variant Classification Sherloc (09022015). Collection method: clinical testing. Allele origin: germline.
Comment: This sequence change creates a premature translational stop signal (p.Gln461*) in the MTM1 gene. It is expected to result in an absent or disrupted protein product. Loss-of-function variants in MTM1 are known to be pathogenic (PMID: 9305655, 10063835). This variant is not present in population databases (gnomAD no frequency). This premature translational stop signal has been observed in individual(s) with centronuclear myopathy (PMID: 25957634). ClinVar contains an entry for this variant (Variation ID: 633470). Algorithms developed to predict the effect of sequence changes on RNA splicing suggest that this variant may create or strengthen a splice site. For these reasons, this variant has been classified as Pathogenic.

Institute of Medical Genetics and Applied Genomics, University Hospital Tübingen
Classification: Pathogenic. Last evaluated: 2021-06-17. Review status: criteria provided, single submitter. Criteria: ACMG Guidelines, 2015. Collection method: clinical testing. Allele origin: germline. Inheritance: X-linked recessive inheritance. Affected: yes.

Clinical Molecular Genetics Laboratory, Johns Hopkins All Children's Hospital
Classification: Pathogenic for Severe X-linked myotubular myopathy. Last evaluated: 2007-08-02. Review status: no assertion criteria provided. Collection method: clinical testing. Allele origin: germline. Affected: yes. Not counted in ClinVar's aggregate classification.

Literature cited by the submitters: PubMed 9305655 (cited by Labcorp Genetics (formerly Invitae), Labcorp); PubMed 10063835 (cited by Labcorp Genetics (formerly Invitae), Labcorp); PubMed 25957634 (cited by Labcorp Genetics (formerly Invitae), Labcorp).

NM_000252.3(MTM1):c.1381C>T (p.Gln461Ter)

Gene: MTM1 (myotubularin 1; plus strand). Cytogenetic location: Xq28.
Variant type: single nucleotide variant.
Coding change: c.1381C>T on transcript NM_000252.3 (MANE Select); coding-DNA position 1381, C replaced by T.
Protein change: p.Gln461Ter; replaces glutamine 461 with a stop codon.
Molecular consequence: nonsense.
Genome position (GRCh38, 1-based): chrX:150,660,398, C>T. VCF-style: chrX-150660398-C-T. GRCh37 (hg19) VCF-style: chrX-149828871-C-T.
Other names: c.1381C>T, p.Gln461Ter (NM_001376906.1, NM_001376908.1); c.1270C>T, p.Gln424Ter (NM_001376907.1); short protein forms Q461*, Q424*.
Identifiers: ClinVar variation 633470 (VCV000633470.6), dbSNP rs782234944, ClinGen allele CA415259636.